The following is an entry in ClinVar:

NM_024312.5(GNPTAB):c.1478G>A (p.Trp493Ter)

Gene: GNPTAB (N-acetylglucosamine-1-phosphate transferase subunits alpha and beta; minus strand). Cytogenetic location: 12q23.2.
Variant type: single nucleotide variant.
Coding change: c.1478G>A on transcript NM_024312.5 (MANE Select); coding-DNA position 1478, G replaced by A.
Protein change: p.Trp493Ter; replaces tryptophan 493 with a stop codon.
Molecular consequence: nonsense.
Genome position (GRCh38, 1-based): chr12:101,766,225, C>T on the plus strand (G>A on the coding strand, the complement: GNPTAB is on the minus strand). VCF-style: chr12-101766225-C-T. GRCh37 (hg19) VCF-style: chr12-102160003-C-T.
Other names: short protein forms W493*.
Identifiers: ClinVar variation 5005018 (VCV005005018.2).

ClinVar aggregate classification (germline): Likely pathogenic (1 of 4 stars; one submission).

Conditions:
Mucolipidosis type II. Also called: Mucolipidosis II Alpha/Beta; Mucolipidosis 2; ML 2; Inclusion cell disease; Leroy Disease; N-acetylglucosamine 1phosphotransferase deficiency. Identifiers: Orphanet 576, MedGen C2673377, MONDO:0009650, OMIM 252500.
Pseudo-Hurler polydystrophy. Also called: MUCOLIPIDOSIS IIIA; Type III Mucolipidosis; ML III; ML III ALPHA/BETA; ML IIIA; Mucolipidosis III Alpha/Beta. Identifiers: Orphanet 423461, Orphanet 577, MedGen C0033788, MONDO:0018931, OMIM 252600.

Submission:

Juno Genomics, Hangzhou Juno Genomics, Inc
Classification: Likely pathogenic for Mucolipidosis type II; Pseudo-Hurler polydystrophy. Review status: criteria provided, single submitter. Criteria: ACMG Guidelines, 2015. Collection method: clinical testing. Allele origin: germline.
Comment: Null variant in a gene where loss of function (LOF) is a known mechanism of disease.;Absent from controls (or at extremely low frequency if recessive) in Genome Aggregation Database.